The following is an entry in ClinVar:

NM_001267550.2(TTN):c.96499T>C (p.Ser32167Pro)

Genes: TTN (titin; minus strand), TTN-AS1 (TTN antisense RNA 1; plus strand), LOC126806421 (CDK7 strongly-dependent group 2 enhancer GRCh37_chr2:179407630-179408829; plus strand). Cytogenetic location: 2q31.2.
Variant type: single nucleotide variant.
Coding change: c.96499T>C on transcript NM_001267550.2 (MANE Select); coding-DNA position 96499, T replaced by C.
Protein change: p.Ser32167Pro; replaces serine 32167 with proline.
Molecular consequence: missense variant.
Genome position (GRCh38, 1-based): chr2:178,543,474, A>G on the plus strand (T>C on the coding strand, the complement: TTN is on the minus strand). VCF-style: chr2-178543474-A-G. GRCh37 (hg19) VCF-style: chr2-179408201-A-G.
Other names: c.88795T>C, p.Ser29599Pro (NM_133378.4); c.91576T>C, p.Ser30526Pro (NM_001256850.1); c.69304T>C, p.Ser23102Pro (NM_003319.4); c.69679T>C, p.Ser23227Pro (NM_133432.3); c.69880T>C, p.Ser23294Pro (NM_133437.4); short protein forms S29599P, S32167P, S23227P, S30526P, S23102P, S23294P.
Identifiers: ClinVar variation 179477 (VCV000179477.5), dbSNP rs727504889, ClinGen allele CA184500.

ClinVar aggregate classification (germline): Uncertain significance (1 of 4 stars; one submission).

Allele frequency attached by ClinVar (database versions not stated): TOPMed below 0.00001.

Submission:

Laboratory for Molecular Medicine, Mass General Brigham Personalized Medicine
Classification: Uncertain significance. Last evaluated: 2014-01-17. Review status: criteria provided, single submitter. Criteria: LMM Criteria. Collection method: clinical testing. Allele origin: germline. Observed: 1 variant allele.
Comment: The Ser29599Pro variant in TTN has not been previously reported in individuals w ith cardiomyopathy or in large population studies. The affected amino acid is n ot well conserved in evolution, raising the possibility that a change may be tol erated. Other computational analyses (biochemical amino acid properties, AlignGV GD, PolyPhen2, and SIFT) do not provide strong support for or against an impact to the protein. Additional information is needed to fully assess the clinical si gnificance of this variant.